The following is an entry in ClinVar:

NM_000419.5(ITGA2B):c.2592C>A (p.Asn864Lys)

Gene: ITGA2B (integrin subunit alpha 2b; minus strand). Cytogenetic location: 17q21.31.
Variant type: single nucleotide variant.
Coding change: c.2592C>A on transcript NM_000419.5 (MANE Select); coding-DNA position 2592, C replaced by A.
Protein change: p.Asn864Lys; replaces asparagine 864 with lysine.
Molecular consequence: missense variant.
Genome position (GRCh38, 1-based): chr17:44,375,842, G>T on the plus strand (C>A on the coding strand, the complement: ITGA2B is on the minus strand). VCF-style: chr17-44375842-G-T. GRCh37 (hg19) VCF-style: chr17-42453210-G-T.
Other names: short protein forms N864K.
Identifiers: ClinVar variation 2907136 (VCV002907136.3), dbSNP rs2510074511, ClinGen allele CA399794194.

ClinVar aggregate classification (germline): Uncertain significance (1 of 4 stars; one submission).

Conditions:
Glanzmann thrombasthenia. Also called: PLATELET GLYCOPROTEIN IIb-IIIa DEFICIENCY; BLEEDING DISORDER, PLATELET-TYPE, 2; THROMBASTHENIA OF GLANZMANN AND NAEGELI; Thrombasthenia; Glanzmann's thrombasthenia. Identifiers: Orphanet 849, MedGen C0040015, MONDO:0100326.

Submission:

Labcorp Genetics (formerly Invitae), Labcorp
Classification: Uncertain significance for Glanzmann thrombasthenia. Last evaluated: 2023-08-18. Review status: criteria provided, single submitter. Criteria: Invitae Variant Classification Sherloc (09022015). Collection method: clinical testing. Allele origin: germline.
Comment: In summary, the available evidence is currently insufficient to determine the role of this variant in disease. Therefore, it has been classified as a Variant of Uncertain Significance. Advanced modeling of protein sequence and biophysical properties (such as structural, functional, and spatial information, amino acid conservation, physicochemical variation, residue mobility, and thermodynamic stability) performed at Invitae indicates that this missense variant is not expected to disrupt ITGA2B protein function. This variant has not been reported in the literature in individuals affected with ITGA2B-related conditions. This variant is not present in population databases (gnomAD no frequency). This sequence change replaces asparagine, which is neutral and polar, with lysine, which is basic and polar, at codon 864 of the ITGA2B protein (p.Asn864Lys).